The following is an entry in ClinVar:

NM_000277.3(PAH):c.568G>A (p.Val190Met)

Gene: PAH (phenylalanine hydroxylase; minus strand). Cytogenetic location: 12q23.2.
Variant type: single nucleotide variant.
Coding change: c.568G>A on transcript NM_000277.3 (MANE Select); coding-DNA position 568, G replaced by A.
Protein change: p.Val190Met; replaces valine 190 with methionine.
Molecular consequence: missense variant.
Genome position (GRCh38, 1-based): chr12:102,855,274, C>T on the plus strand (G>A on the coding strand, the complement: PAH is on the minus strand). VCF-style: chr12-102855274-C-T. GRCh37 (hg19) VCF-style: chr12-103249052-C-T.
Other names: NM_000277.2(PAH):c.568G>A; c.568G>A, p.Val190Met (NM_001354304.2); short protein forms V190M.
Identifiers: ClinVar variation 120279 (VCV000120279.8), dbSNP rs281865441, ClinGen allele CA267660.

ClinVar aggregate classification (germline): Uncertain significance. Review status: reviewed by expert panel (3 of 4 stars). 4 submissions from 4 submitters: Uncertain significance (1). 3 of the submissions do not count toward it. Last evaluated 2018-12-10.

Conditions:
PAH-related disorder. Also called: PAH-related condition.
Phenylketonuria (PKU). Also called: Phenylketonuria (PKU); FOLLING DISEASE; OLIGOPHRENIA PHENYLPYRUVICA; Phenylketonurias. Identifiers: Orphanet 716, MedGen C0031485, MONDO:0009861, OMIM 261600. Disease mechanism: loss of function.

Allele frequency attached by ClinVar (database versions not stated): gnomAD exomes below 0.00001; TOPMed below 0.00001.
gnomAD v4.1: 1 of 1,614,124 alleles (0.000062%); highest among the groups gnomAD compares: Non-Finnish European, 0.000085%; no homozygotes.

Submissions (4):

ClinGen PAH Variant Curation Expert Panel
Classification: Uncertain significance for Phenylketonuria. Last evaluated: 2018-12-10. Review status: reviewed by expert panel. Criteria: ClinGen PAH ACMG Specifications v1. Collection method: curation. Allele origin: germline. Inheritance: Autosomal recessive inheritance.
Comment: The c.568G>A (p.Val190Met) variant in PAH has not been reported in the literature to our knowledge. The reference from BioPKU (Namour B, Jeannesson E, Chery C, Gueant JL, Feillet F, 2013) cannot be located. This variant is absent from ExAC, gnomAD, 1000G, and ESP. It is predicted deleterious in SIFT, Polyphen2, MutationTaster, and REVEL=0.836. Another variant at this amino acid (p.V190G) is interpreted as pathogenic by the PAH VCEP. In summary, this variant meets criteria to be classified as uncertain significance for PAH. PAH-specific ACMG/AMP criteria applied: PM2, PM5, PP3.

Blueprint Genetics
Classification: Likely pathogenic for PAH-related disorders. Last evaluated: 2024-07-22. Review status: criteria provided, single submitter. Criteria: ACMG Guidelines, 2015. Collection method: clinical testing. Allele origin: germline. Affected: yes. Observed: 3 variant alleles. Not counted in ClinVar's aggregate classification.

Labcorp Genetics (formerly Invitae), Labcorp
Classification: Likely pathogenic for Phenylketonuria. Last evaluated: 2023-10-14. Review status: criteria provided, single submitter. Criteria: Invitae Variant Classification Sherloc (09022015). Collection method: clinical testing. Allele origin: germline. Not counted in ClinVar's aggregate classification.
Comment: This sequence change replaces valine, which is neutral and non-polar, with methionine, which is neutral and non-polar, at codon 190 of the PAH protein (p.Val190Met). This variant is not present in population databases (gnomAD no frequency). This missense change has been observed in individual(s) with phenylketonuria (PMID: 32668217). ClinVar contains an entry for this variant (Variation ID: 120279). Advanced modeling of protein sequence and biophysical properties (such as structural, functional, and spatial information, amino acid conservation, physicochemical variation, residue mobility, and thermodynamic stability) performed at Invitae indicates that this missense variant is not expected to disrupt PAH protein function. This variant disrupts the p.Val190 amino acid residue in PAH. Other variant(s) that disrupt this residue have been determined to be pathogenic (PMID: 9452062, 11486900, 17502162, 26666653; Invitae). This suggests that this residue is clinically significant, and that variants that disrupt this residue are likely to be disease-causing. In summary, the currently available evidence indicates that the variant is pathogenic, but additional data are needed to prove that conclusively. Therefore, this variant has been classified as Likely Pathogenic.

Inserm U 954, Faculté de Médecine de Nancy
Classification: Likely pathogenic for Phenylketonuria. Review status: no assertion criteria provided. Collection method: not provided. Allele origin: unknown. Not counted in ClinVar's aggregate classification.
ClinVar note: Converted during submission from probable-pathogenic to Likely pathogenic.

Literature cited by the submitters: PubMed 32668217 (cited by Labcorp Genetics (formerly Invitae), Labcorp); PubMed 9452062 (cited by Labcorp Genetics (formerly Invitae), Labcorp); PubMed 11486900 (cited by Labcorp Genetics (formerly Invitae), Labcorp); PubMed 17502162 (cited by Labcorp Genetics (formerly Invitae), Labcorp); PubMed 26666653 (cited by Labcorp Genetics (formerly Invitae), Labcorp).